The following is an entry in ClinVar:

NM_016204.4(GDF2):c.109G>A (p.Ala37Thr)

Gene: GDF2 (growth differentiation factor 2; plus strand). Cytogenetic location: 10q11.22.
Variant type: single nucleotide variant.
Coding change: c.109G>A on transcript NM_016204.4 (MANE Select); coding-DNA position 109, G replaced by A.
Protein change: p.Ala37Thr; replaces alanine 37 with threonine.
Molecular consequence: missense variant.
Genome position (GRCh38, 1-based): chr10:47,322,777, G>A. VCF-style: chr10-47322777-G-A. GRCh37 (hg19) VCF-style: chr10-48416585-C-T.
Other names: short protein forms A37T.
Identifiers: ClinVar variation 4857908 (VCV004857908.1).

ClinVar aggregate classification (germline): Uncertain significance (1 of 4 stars; one submission).

Conditions:
Cardiovascular phenotype. Identifiers: MedGen CN230736.

Submission:

Ambry Genetics
Classification: Uncertain significance for Cardiovascular phenotype. Last evaluated: 2026-05-14. Review status: criteria provided, single submitter. Criteria: Ambry Variant Classification Scheme 2023. Collection method: clinical testing. Allele origin: germline.
Comment: The p.A37T variant (also known as c.109G>A), located in coding exon 1 of the GDF2 gene, results from a G to A substitution at nucleotide position 109. The alanine at codon 37 is replaced by threonine, an amino acid with similar properties. This amino acid position is conserved. Based on the available evidence, the clinical significance of this variant remains unclear.